The following is an entry in ClinVar:

ClinVar aggregate classification (germline): Uncertain significance (1 of 4 stars; one submission).

Conditions:
NR0B2-related disorder. Also called: NR0B2-related condition.

gnomAD v4.1: 5 of 1,548,778 alleles (0.00032%); highest among the groups gnomAD compares: Admixed American, 0.0019%; no homozygotes.

Submission:

PreventionGenetics, part of Exact Sciences
Classification: Uncertain significance for NR0B2-related condition. Last evaluated: 2026-07-28. Review status: criteria provided, single submitter. Criteria: ACMG Guidelines, 2015. Collection method: clinical testing. Allele origin: germline.
Comment: The NR0B2 c.152C>T variant is predicted to result in the amino acid substitution p.Ala51Val. To our knowledge, this variant has not been reported in the literature or in a large population database (gnomAD), indicating this variant is rare. At this time, the clinical significance of this variant is uncertain due to the absence of conclusive functional and genetic evidence.

NM_021969.3(NR0B2):c.152C>T (p.Ala51Val)

Genes: NR0B2 (nuclear receptor subfamily 0 group B member 2; minus strand), NUDC (nuclear distribution C, dynein complex regulator; plus strand). Cytogenetic location: 1p36.11.
Variant type: single nucleotide variant.
Coding change: c.152C>T on transcript NM_021969.3 (MANE Select); coding-DNA position 152, C replaced by T.
Protein change: p.Ala51Val; replaces alanine 51 with valine.
Molecular consequence: missense variant.
Genome position (GRCh38, 1-based): chr1:26,913,789, G>A on the plus strand (C>T on the coding strand, the complement: NR0B2 is on the minus strand). VCF-style: chr1-26913789-G-A. GRCh37 (hg19) VCF-style: chr1-27240280-G-A.
Other names: short protein forms A51V.
Identifiers: ClinVar variation 4993913 (VCV004993913.1).